The following is an entry in ClinVar:

NM_004525.3(LRP2):c.11425C>T (p.His3809Tyr)

Gene: LRP2 (LDL receptor related protein 2; minus strand). Cytogenetic location: 2q31.1.
Variant type: single nucleotide variant.
Coding change: c.11425C>T on transcript NM_004525.3 (MANE Select); coding-DNA position 11425, C replaced by T.
Protein change: p.His3809Tyr; replaces histidine 3809 with tyrosine.
Molecular consequence: missense variant.
Genome position (GRCh38, 1-based): chr2:169,169,774, G>A on the plus strand (C>T on the coding strand, the complement: LRP2 is on the minus strand). VCF-style: chr2-169169774-G-A. GRCh37 (hg19) VCF-style: chr2-170026284-G-A.
Other names: short protein forms H3809Y.
Identifiers: ClinVar variation 1497904 (VCV001497904.4), dbSNP rs189806678, ClinGen allele CA59907610.

ClinVar aggregate classification (germline): Uncertain significance. Review status: criteria provided, multiple submitters, no conflicts (2 of 4 stars). 2 submissions from 2 submitters: Uncertain significance (2). Last evaluated 2024-03-12.

Conditions:
Donnai-Barrow syndrome. Also called: DBS/FOAR SYNDROME; FACIOOCULOACOUSTICORENAL SYNDROME. Identifiers: Orphanet 2143, MedGen C1857277, MONDO:0009104, OMIM 222448.

Allele frequency attached by ClinVar (database versions not stated): gnomAD 0.00001; gnomAD exomes 0.00001; TOPMed 0.00001.
gnomAD v4.1: 12 of 1,613,936 alleles (0.00074%); highest among the groups gnomAD compares: Non-Finnish European, 0.00093%; no homozygotes.

Submissions (2):

Fulgent Genetics
Classification: Uncertain significance for Donnai-Barrow syndrome. Last evaluated: 2024-03-12. Review status: criteria provided, single submitter. Criteria: ACMG Guidelines, 2015. Collection method: clinical testing. Allele origin: germline.

Labcorp Genetics (formerly Invitae), Labcorp
Classification: Uncertain significance. Last evaluated: 2022-07-19. Review status: criteria provided, single submitter. Criteria: Invitae Variant Classification Sherloc (09022015). Collection method: clinical testing. Allele origin: germline.
Comment: This sequence change replaces histidine, which is basic and polar, with tyrosine, which is neutral and polar, at codon 3809 of the LRP2 protein (p.His3809Tyr). This variant is present in population databases (no rsID available, gnomAD 0.0009%). This variant has not been reported in the literature in individuals affected with LRP2-related conditions. ClinVar contains an entry for this variant (Variation ID: 1497904). Advanced modeling of protein sequence and biophysical properties (such as structural, functional, and spatial information, amino acid conservation, physicochemical variation, residue mobility, and thermodynamic stability) performed at Invitae indicates that this missense variant is expected to disrupt LRP2 protein function. In summary, the available evidence is currently insufficient to determine the role of this variant in disease. Therefore, it has been classified as a Variant of Uncertain Significance.